The following is an entry in ClinVar:

NM_001378454.1(ALMS1):c.2T>C (p.Met1Thr)

Gene: ALMS1 (ALMS1 centrosome and basal body associated protein; plus strand). Cytogenetic location: 2p13.1.
Variant type: single nucleotide variant.
Coding change: c.2T>C on transcript NM_001378454.1 (MANE Select); coding-DNA position 2, T replaced by C.
Protein change: p.Met1Thr; changes the start codon (methionine 1).
Molecular consequence: missense variant, initiator codon variant.
Genome position (GRCh38, 1-based): chr2:73,385,870, T>C. VCF-style: chr2-73385870-T-C. GRCh37 (hg19) VCF-style: chr2-73612998-T-C.
Other names: c.2T>C, p.Met1Thr (NM_015120.4); short protein forms M1T.
Identifiers: ClinVar variation 4059264 (VCV004059264.2).
Genomic context (GRCh38, chr2:73,385,870, plus strand): 5'-CCCTTCCCCTCCCTCCCCCCCTCCTCCTCCTCCTCTGCCGCCCAGAGCGAGACACCAACA[T>C]GGAGCCCGAGGATCTGCCATGGCCGGGCGAGCTGGAGGAGGAGGAGGAGGAGGAGGAGGA-3'
Protein context (NP_001365383.1, residues 1-11): [Met1Thr]EPEDLPWPGE

ClinVar aggregate classification (germline): Likely pathogenic (1 of 4 stars; one submission).

Conditions:
Alstrom syndrome (ALMS). Identifiers: Orphanet 64, MedGen C0268425, MONDO:0008763, OMIM 203800.

Submission:

Natera, Inc.
Classification: Likely pathogenic for Alstrom syndrome. Last evaluated: 2025-02-19. Review status: criteria provided, single submitter. Criteria: Natera Variant Classification Schema (03/2026). Collection method: clinical testing. Allele origin: germline.
Comment: The c.2T>C variant in ALMS1 is predicted to result in start loss due to disruption of the initiator methionine. This variant is expected to result in nonsense mediated decay, truncation, or a dysfunctional protein product. This variant is rare in the general population with a frequency below the threshold expected for the associated phenotype(s). Given the available evidence, this variant is classified as Likely Pathogenic.